The following is an entry in ClinVar:

ClinVar aggregate classification (germline): Uncertain significance. Review status: criteria provided, multiple submitters, no conflicts (2 of 4 stars). 2 submissions from 2 submitters: Uncertain significance (2). Last evaluated 2025-12-15.

Conditions:
Nephronophthisis 18 (NPHP18). Identifiers: Orphanet 655, MedGen C3890591, MONDO:0014374, OMIM 615862.
Inborn genetic diseases. Identifiers: MedGen C0950123, MeSH D030342.

Allele frequency attached by ClinVar (database versions not stated): gnomAD exomes below 0.00001; TOPMed below 0.00001; ExAC 0.00001; gnomAD 0.00001.
gnomAD v4.1: 8 of 1,607,446 alleles (0.0005%); highest among the groups gnomAD compares: South Asian, 0.0011%; no homozygotes.

Submissions (2):

Ambry Genetics
Classification: Uncertain significance for Inborn genetic diseases. Last evaluated: 2025-12-15. Review status: criteria provided, single submitter. Criteria: Ambry Variant Classification Scheme 2023. Collection method: clinical testing. Allele origin: germline.

Labcorp Genetics (formerly Invitae), Labcorp
Classification: Uncertain significance for Nephronophthisis 18. Last evaluated: 2022-03-22. Review status: criteria provided, single submitter. Criteria: Invitae Variant Classification Sherloc (09022015). Collection method: clinical testing. Allele origin: germline.
Comment: This sequence change replaces methionine, which is neutral and non-polar, with arginine, which is basic and polar, at codon 658 of the CEP83 protein (p.Met658Arg). This variant is present in population databases (rs756780682, gnomAD 0.003%). This variant has not been reported in the literature in individuals affected with CEP83-related conditions. Algorithms developed to predict the effect of missense changes on protein structure and function are either unavailable or do not agree on the potential impact of this missense change (SIFT: "Not Available"; PolyPhen-2: "Benign"; Align-GVGD: "Not Available"). In summary, the available evidence is currently insufficient to determine the role of this variant in disease. Therefore, it has been classified as a Variant of Uncertain Significance.

NM_016122.3(CEP83):c.1973T>G (p.Met658Arg)

Gene: CEP83 (centrosomal protein 83; minus strand). Cytogenetic location: 12q22.
Variant type: single nucleotide variant.
Coding change: c.1973T>G on transcript NM_016122.3 (MANE Select); coding-DNA position 1973, T replaced by G.
Protein change: p.Met658Arg; replaces methionine 658 with arginine.
Molecular consequence: missense variant. On other transcripts: non-coding transcript variant (2).
Genome position (GRCh38, 1-based): chr12:94,309,946, A>C on the plus strand (T>G on the coding strand, the complement: CEP83 is on the minus strand). VCF-style: chr12-94309946-A-C. GRCh37 (hg19) VCF-style: chr12-94703722-A-C.
Other names: c.1973T>G, p.Met658Arg (NM_001042399.2, NM_001346457.2, NM_001368037.1 and 1 more transcripts); c.1661T>G, p.Met554Arg (NM_001346458.2, NM_001346459.2, NM_001368039.1 and 1 more transcripts); c.1748T>G, p.Met583Arg (NM_001368041.1); c.1973T>G (NM_016122.2); short protein forms M554R, M658R, M583R.
Identifiers: ClinVar variation 2082050 (VCV002082050.5), dbSNP rs756780682, ClinGen allele CA6721517.
Genomic context (GRCh38, chr12:94,309,946, plus strand): 5'-TTTTTTTTTCCCCCTAAAATAAATGCTCATACCTGCATATGAGGAGGAAATGGTAGTTCC[A>C]TGCTTGGAACCATGGCTGATGACTGAAAGCTAACAGGATTGATAGATGCTGTTGGAGGCA-3'
Protein context (NP_057206.2, residues 648-668): SFQSSAMVPS[Met658Arg]ELPFPPHMQE